The following is an entry in ClinVar:

ClinVar aggregate classification (germline): Uncertain significance (1 of 4 stars; one submission).

Conditions:
Familial adenomatous polyposis 1 (FAP1). Also called: FAMILIAL ADENOMATOUS POLYPOSIS 1, ATTENUATED; POLYPOSIS, ADENOMATOUS INTESTINAL. Identifiers: MedGen C2713442, MONDO:0021056, OMIM 175100. Disease mechanism: loss of function.

Submission:

Labcorp Genetics (formerly Invitae), Labcorp
Classification: Uncertain significance for Familial adenomatous polyposis 1. Last evaluated: 2021-09-01. Review status: criteria provided, single submitter. Criteria: Invitae Variant Classification Sherloc (09022015). Collection method: clinical testing. Allele origin: germline.
Comment: This variant occurs in a non-coding region of the APC gene. It does not change the encoded amino acid sequence of the APC protein. The frequency data for this variant in the population databases is considered unreliable, as metrics indicate insufficient coverage at this position in the ExAC database. This variant has not been reported in the literature in individuals affected with APC-related conditions. ClinVar contains an entry for this variant (Variation ID: 469854). Experimental studies and prediction algorithms are not available or were not evaluated, and the functional significance of this variant is currently unknown. In summary, the available evidence is currently insufficient to determine the role of this variant in disease. Therefore, it has been classified as a Variant of Uncertain Significance.

NM_001127511.3(APC):c.-182G>T

Genes: APC (APC regulator of Wnt signaling pathway; plus strand), LOC129994371 (ATAC-STARR-seq lymphoblastoid active region 22910; plus strand). Cytogenetic location: 5q22.2.
Variant type: single nucleotide variant.
Coding change: c.-182G>T on transcript NM_001127511.3; 182 bases upstream of the start codon, G replaced by T.
Molecular consequence: 5 prime UTR variant. On other transcripts: non-coding transcript variant (2).
Genome position (GRCh38, 1-based): chr5:112,707,536, G>T. VCF-style: chr5-112707536-G-T. GRCh37 (hg19) VCF-style: chr5-112043233-G-T.
Other names: c.-365G>T (NM_001354895.2, NM_001407447.1, NM_001407452.1 and 3 more transcripts); c.-182G>T (NM_001354897.2, NM_001354902.2, NM_001407446.1); c.-132G>T (NM_001407448.1, NM_001407450.1, NM_001407457.1 and 1 more transcripts); c.-156G>T (NM_001407453.1); c.-1400G>T (NM_001407470.1, NM_001407472.1).
Identifiers: ClinVar variation 469854 (VCV000469854.7), dbSNP rs1554060189, ClinGen allele CA658655884.